The following is an entry in ClinVar:

NM_024753.5(TTC21B):c.1571C>G (p.Ser524Cys)

Gene: TTC21B (tetratricopeptide repeat domain 21B; minus strand). Cytogenetic location: 2q24.3.
Variant type: single nucleotide variant.
Coding change: c.1571C>G on transcript NM_024753.5 (MANE Select); coding-DNA position 1571, C replaced by G.
Protein change: p.Ser524Cys; replaces serine 524 with cysteine.
Molecular consequence: missense variant.
Genome position (GRCh38, 1-based): chr2:165,919,379, G>C on the plus strand (C>G on the coding strand, the complement: TTC21B is on the minus strand). VCF-style: chr2-165919379-G-C. GRCh37 (hg19) VCF-style: chr2-166775889-G-C.
Other names: short protein forms S524C.
Identifiers: ClinVar variation 241575 (VCV000241575.48), dbSNP rs145436538, ClinGen allele CA1942080.

ClinVar aggregate classification (germline): Benign/Likely benign. Review status: criteria provided, multiple submitters, no conflicts (2 of 4 stars). 8 submissions from 7 submitters: Benign (4); Likely benign (4). Last evaluated 2026-01-21.

Conditions:
Nephronophthisis. Also called: Juvenile Nephronophthisis. Identifiers: Orphanet 655, MedGen C0687120, MONDO:0019005, HP:0000090.
Jeune thoracic dystrophy. Also called: Infantile thoracic dystrophy; Thoracic pelvic phalangeal dystrophy; Jeune's syndrome; Chondroectodermal dysplasia-like syndrome; Jeune syndrome; Short-rib thoracic dysplasia. Identifiers: Orphanet 474, MedGen C0265275, MONDO:0018770.
Asphyxiating thoracic dystrophy 4 (SRTD4). Also called: SHORT-RIB THORACIC DYSPLASIA 4 WITH OR WITHOUT POLYDACTYLY; SHORT-RIB THORACIC DYSPLASIA 4. Identifiers: Orphanet 474, MedGen C3151185, MONDO:0013441, OMIM 613819.
Nephronophthisis 12 (NPHP12). Identifiers: Orphanet 655, MedGen C3151186, MONDO:0013442, OMIM 613820.

Allele frequency attached by ClinVar (database versions not stated): ExAC 0.00094; 1000 Genomes Project 0.00300; gnomAD 0.00336 and 0.00355; ESP Exome Variant Server 0.00338; 1000 Genomes Project 30x 0.00344; TOPMed 0.00395.
gnomAD v4.1: 1,000 of 1,614,088 alleles (0.062%); highest among the groups gnomAD compares: African/African-American, 1.2%; 6 homozygotes.

Submissions (8):

Labcorp Genetics (formerly Invitae), Labcorp
Classification: Benign for Jeune thoracic dystrophy; Nephronophthisis. Last evaluated: 2026-01-21. Review status: criteria provided, single submitter. Criteria: Invitae Variant Classification Sherloc (09022015). Collection method: clinical testing. Allele origin: germline.

ARUP Laboratories, Molecular Genetics and Genomics, ARUP Laboratories
Classification: Benign. Last evaluated: 2025-06-11. Review status: criteria provided, single submitter. Criteria: ARUP Molecular Germline Variant Investigation Process 2024. Collection method: clinical testing. Allele origin: germline.

Blueprint Genetics
Classification: Likely benign. Last evaluated: 2024-10-23. Review status: criteria provided, single submitter. Criteria: ACMG Guidelines, 2015. Collection method: clinical testing. Allele origin: germline.

CeGaT Center for Human Genetics Tuebingen
Classification: Benign. Last evaluated: 2023-12-01. Review status: criteria provided, single submitter. Criteria: CeGaT Center For Human Genetics Tuebingen Variant Classification Criteria Version 2. Collection method: clinical testing. Allele origin: germline. Affected: yes. Observed: 1 variant allele.
Comment: TTC21B: BP4, BS1, BS2

GeneDx
Classification: Likely benign. Last evaluated: 2021-02-24. Review status: criteria provided, single submitter. Criteria: GeneDx Variant Classification Process June 2021. Collection method: clinical testing. Allele origin: germline. Affected: yes.

Illumina Laboratory Services, Illumina
Classification: Likely benign for Asphyxiating thoracic dystrophy 4. Last evaluated: 2018-01-12. Review status: criteria provided, single submitter. Criteria: ICSL Variant Classification Criteria 13 December 2019. Collection method: clinical testing. Allele origin: germline.
Comment: This variant was observed in the ICSL laboratory as part of a predisposition screen in an ostensibly healthy population. It had not been previously curated by ICSL or reported in the Human Gene Mutation Database (HGMD: prior to June 1st, 2018), and was therefore a candidate for classification through an automated scoring system. Utilizing variant allele frequency, disease prevalence and penetrance estimates, and inheritance mode, an automated score was calculated to assess if this variant is too frequent to cause the disease. Based on the score and internal cut-off values, a variant classified as likely benign is not then subjected to further curation. The score for this variant resulted in a classification of likely benign for this disease.

Illumina Laboratory Services, Illumina
Classification: Likely benign for Nephronophthisis 12. Last evaluated: 2018-01-12. Review status: criteria provided, single submitter. Criteria: ICSL Variant Classification Criteria 13 December 2019. Collection method: clinical testing. Allele origin: germline.
Comment: the same text as in the submission from Illumina Laboratory Services, Illumina above.

PreventionGenetics, part of Exact Sciences
Classification: Benign. Review status: criteria provided, single submitter. Criteria: ACMG Guidelines, 2015. Collection method: clinical testing. Allele origin: germline.